The following is an entry in ClinVar:

ClinVar aggregate classification (germline): Uncertain significance (1 of 4 stars; one submission).

Conditions:
Charcot-Marie-Tooth disease type 4. Also called: Charcot-Marie-Tooth disease, type IV; Charcot-Marie-Tooth, Type 4. Identifiers: Orphanet 64749, MedGen C4082197, MONDO:0018995.

Submission:

Labcorp Genetics (formerly Invitae), Labcorp
Classification: Uncertain significance for Charcot-Marie-Tooth disease type 4. Last evaluated: 2022-03-26. Review status: criteria provided, single submitter. Criteria: Invitae Variant Classification Sherloc (09022015). Collection method: clinical testing. Allele origin: germline.
Comment: This sequence change falls in intron 17 of the SBF2 gene. It does not directly change the encoded amino acid sequence of the SBF2 protein. It affects a nucleotide within the consensus splice site. This variant is not present in population databases (gnomAD no frequency). This variant has not been reported in the literature in individuals affected with SBF2-related conditions. Variants that disrupt the consensus splice site are a relatively common cause of aberrant splicing (PMID: 17576681, 9536098). Algorithms developed to predict the effect of sequence changes on RNA splicing suggest that this variant is not likely to affect RNA splicing. In summary, the available evidence is currently insufficient to determine the role of this variant in disease. Therefore, it has been classified as a Variant of Uncertain Significance.

Literature cited by the submitters: PubMed 17576681; PubMed 9536098.

NM_030962.4(SBF2):c.1929+4A>C

Genes: SBF2 (SET binding factor 2; minus strand), LOC101928008 (uncharacterized LOC101928008; plus strand). Cytogenetic location: 11p15.4.
Variant type: single nucleotide variant.
Coding change: c.1929+4A>C on transcript NM_030962.4 (MANE Select); 4 bases into the intron after coding-DNA position 1929, A replaced by C.
Molecular consequence: intron variant.
Genome position (GRCh38, 1-based): chr11:9,895,939, T>G on the plus strand (A>C on the coding strand, the complement: SBF2 is on the minus strand). VCF-style: chr11-9895939-T-G. GRCh37 (hg19) VCF-style: chr11-9917486-T-G.
Other names: c.1800+4A>C (NM_001386342.1); c.1929+4A>C (NM_001386339.1).
Identifiers: ClinVar variation 2077351 (VCV002077351.1), dbSNP rs1216779529, ClinGen allele CA1951814160.